The following is an entry in ClinVar:

NM_020832.3(ZNF687):c.2870G>C (p.Gly957Ala)

Gene: ZNF687 (zinc finger protein 687; plus strand). Cytogenetic location: 1q21.3.
Variant type: single nucleotide variant.
Coding change: c.2870G>C on transcript NM_020832.3 (MANE Select); coding-DNA position 2870, G replaced by C.
Protein change: p.Gly957Ala; replaces glycine 957 with alanine.
Molecular consequence: missense variant.
Genome position (GRCh38, 1-based): chr1:151,289,913, G>C. VCF-style: chr1-151289913-G-C. GRCh37 (hg19) VCF-style: chr1-151262389-G-C.
Other names: c.2870G>C, p.Gly957Ala (NM_001304763.2, NM_001304764.2); short protein forms G957A.
Identifiers: ClinVar variation 3477862 (VCV003477862.3).

ClinVar aggregate classification (germline): Uncertain significance. Review status: criteria provided, multiple submitters, no conflicts (2 of 4 stars). 2 submissions from 2 submitters: Uncertain significance (2). Last evaluated 2025-10-21.

Submissions (2):

Labcorp Genetics (formerly Invitae), Labcorp
Classification: Uncertain significance. Last evaluated: 2025-10-21. Review status: criteria provided, single submitter. Criteria: Invitae Variant Classification Sherloc (09022015). Collection method: clinical testing. Allele origin: germline.
Comment: This sequence change replaces glycine, which is neutral and non-polar, with alanine, which is neutral and non-polar, at codon 957 of the ZNF687 protein (p.Gly957Ala). This variant is not present in population databases (gnomAD no frequency). This variant has not been reported in the literature in individuals affected with ZNF687-related conditions. ClinVar contains an entry for this variant (Variation ID: 3477862). An algorithm developed to predict the effect of missense changes on protein structure and function (PolyPhen-2) suggests that this variant is likely to be disruptive. In summary, the available evidence is currently insufficient to determine the role of this variant in disease. Therefore, it has been classified as a Variant of Uncertain Significance.

Ambry Genetics
Classification: Uncertain significance. Last evaluated: 2024-12-05. Review status: criteria provided, single submitter. Criteria: Ambry Variant Classification Scheme 2023. Collection method: clinical testing. Allele origin: germline.